The following is an entry in ClinVar:

ClinVar aggregate classification (germline): Uncertain significance (1 of 4 stars; one submission).

Allele frequency attached by ClinVar (database versions not stated): gnomAD exomes below 0.00001; TOPMed below 0.00001; ExAC 0.00001; gnomAD 0.00001.
gnomAD v4.1: 1 of 1,613,966 alleles (0.000062%); highest among the groups gnomAD compares: African/African-American, 0.0013%; no homozygotes.

Submission:

Labcorp Genetics (formerly Invitae), Labcorp
Classification: Uncertain significance. Last evaluated: 2022-03-10. Review status: criteria provided, single submitter. Criteria: Invitae Variant Classification Sherloc (09022015). Collection method: clinical testing. Allele origin: germline.
Comment: In summary, the available evidence is currently insufficient to determine the role of this variant in disease. Therefore, it has been classified as a Variant of Uncertain Significance. Algorithms developed to predict the effect of missense changes on protein structure and function output the following: SIFT: "Tolerated"; PolyPhen-2: "Benign"; Align-GVGD: "Class C0". The methionine amino acid residue is found in multiple mammalian species, which suggests that this missense change does not adversely affect protein function. This variant has not been reported in the literature in individuals affected with VCAN-related conditions. This variant is present in population databases (rs765701496, gnomAD 0.007%). This sequence change replaces isoleucine, which is neutral and non-polar, with methionine, which is neutral and non-polar, at codon 1016 of the VCAN protein (p.Ile1016Met).

NM_004385.5(VCAN):c.3048T>G (p.Ile1016Met)

Gene: VCAN (versican; plus strand). Cytogenetic location: 5q14.3.
Variant type: single nucleotide variant.
Coding change: c.3048T>G on transcript NM_004385.5 (MANE Select); coding-DNA position 3048, T replaced by G.
Protein change: p.Ile1016Met; replaces isoleucine 1016 with methionine.
Molecular consequence: missense variant. On other transcripts: intron variant (2).
Genome position (GRCh38, 1-based): chr5:83,521,354, T>G. VCF-style: chr5-83521354-T-G. GRCh37 (hg19) VCF-style: chr5-82817173-T-G.
Other names: c.3048T>G, p.Ile1016Met (NM_001164098.2); c.1042+8958T>G (NM_001164097.2, NM_001126336.3); short protein forms I1016M.
Identifiers: ClinVar variation 1460902 (VCV001460902.8), dbSNP rs765701496, ClinGen allele CA3332944.